The following is an entry in ClinVar:

NM_000553.6(WRN):c.508A>G (p.Lys170Glu)

Gene: WRN (WRN RecQ like helicase; plus strand). Cytogenetic location: 8p12.
Variant type: single nucleotide variant.
Coding change: c.508A>G on transcript NM_000553.6 (MANE Select); coding-DNA position 508, A replaced by G.
Protein change: p.Lys170Glu; replaces lysine 170 with glutamic acid.
Molecular consequence: missense variant.
Genome position (GRCh38, 1-based): chr8:31,067,036, A>G. VCF-style: chr8-31067036-A-G. GRCh37 (hg19) VCF-style: chr8-30924552-A-G.
Other names: short protein forms K170E.
Identifiers: ClinVar variation 1506976 (VCV001506976.8), dbSNP rs2130048823, ClinGen allele CA370915805.

ClinVar aggregate classification (germline): Uncertain significance (1 of 4 stars; one submission).

Conditions:
Werner syndrome (WRN). Identifiers: Orphanet 902, MedGen C0043119, MONDO:0010196, OMIM 277700.

Submission:

Labcorp Genetics (formerly Invitae), Labcorp
Classification: Uncertain significance for Werner syndrome. Last evaluated: 2021-07-22. Review status: criteria provided, single submitter. Criteria: Invitae Variant Classification Sherloc (09022015). Collection method: clinical testing. Allele origin: germline.
Comment: This sequence change replaces lysine with glutamic acid at codon 170 of the WRN protein (p.Lys170Glu). The lysine residue is moderately conserved and there is a small physicochemical difference between lysine and glutamic acid. This variant is not present in population databases (ExAC no frequency). This variant has not been reported in the literature in individuals affected with WRN-related conditions. Algorithms developed to predict the effect of missense changes on protein structure and function are either unavailable or do not agree on the potential impact of this missense change (SIFT: "Not Available"; PolyPhen-2: "Benign"; Align-GVGD: "Not Available"). In summary, the available evidence is currently insufficient to determine the role of this variant in disease. Therefore, it has been classified as a Variant of Uncertain Significance.